The following is an entry in ClinVar:

ClinVar aggregate classification (germline): Uncertain significance (1 of 4 stars; one submission).

Submission:

GeneDx
Classification: Uncertain significance. Last evaluated: 2024-11-12. Review status: criteria provided, single submitter. Criteria: GeneDx Variant Classification Process June 2021. Collection method: clinical testing. Allele origin: germline. Affected: yes.
Comment: Not observed at significant frequency in large population cohorts (gnomAD); In silico analysis supports that this missense variant has a deleterious effect on protein structure/function; Has not been previously published as pathogenic or benign to our knowledge

NM_006914.4(RORB):c.785G>A (p.Cys262Tyr)

Gene: RORB (RAR related orphan receptor B; plus strand). Cytogenetic location: 9q21.13.
Variant type: single nucleotide variant.
Coding change: c.785G>A on transcript NM_006914.4 (MANE Select); coding-DNA position 785, G replaced by A.
Protein change: p.Cys262Tyr; replaces cysteine 262 with tyrosine.
Molecular consequence: missense variant.
Genome position (GRCh38, 1-based): chr9:74,662,499, G>A. VCF-style: chr9-74662499-G-A. GRCh37 (hg19) VCF-style: chr9-77277415-G-A.
Other names: c.818G>A, p.Cys273Tyr (NM_001365023.1); short protein forms C262Y, C273Y.
Identifiers: ClinVar variation 3899591 (VCV003899591.1).